The following is an entry in ClinVar:

NM_005045.4(RELN):c.8197G>A (p.Gly2733Ser)

Genes: RELN (reelin; minus strand), SLC26A5-AS1 (SLC26A5 antisense RNA 1; plus strand). Cytogenetic location: 7q22.1.
Variant type: single nucleotide variant.
Coding change: c.8197G>A on transcript NM_005045.4 (MANE Select); coding-DNA position 8197, G replaced by A.
Protein change: p.Gly2733Ser; replaces glycine 2733 with serine.
Molecular consequence: missense variant.
Genome position (GRCh38, 1-based): chr7:103,510,928, C>T on the plus strand (G>A on the coding strand, the complement: RELN is on the minus strand). VCF-style: chr7-103510928-C-T. GRCh37 (hg19) VCF-style: chr7-103151375-C-T.
Other names: c.8197G>A, p.Gly2733Ser (NM_173054.3); short protein forms G2733S.
Identifiers: ClinVar variation 4986656 (VCV004986656.1).

ClinVar aggregate classification (germline): Uncertain significance (1 of 4 stars; one submission).

Conditions:
RELN-related disorder. Also called: RELN-related condition.

gnomAD v4.1: 2 of 1,612,390 alleles (0.00012%); highest among the groups gnomAD compares: Non-Finnish European, 0.000085%; no homozygotes.

Submission:

PreventionGenetics, part of Exact Sciences
Classification: Uncertain significance for RELN-related condition. Last evaluated: 2025-11-12. Review status: criteria provided, single submitter. Criteria: ACMG Guidelines, 2015. Collection method: clinical testing. Allele origin: germline.
Comment: The RELN c.8197G>A variant is predicted to result in the amino acid substitution p.Gly2733Ser. To our knowledge, this variant has not been reported in the literature or in a large population database (gnomAD), indicating this variant is rare. At this time, the clinical significance of this variant is uncertain due to the absence of conclusive functional and genetic evidence.